The following is an entry in ClinVar:

ClinVar aggregate classification (germline): Uncertain significance (1 of 4 stars; one submission).

Submission:

GeneDx
Classification: Uncertain significance. Last evaluated: 2026-04-14. Review status: criteria provided, single submitter. Criteria: GeneDx Variant Classification Process June 2021. Collection method: clinical testing. Allele origin: germline.
Comment: Not observed at significant frequency in large population cohorts (gnomAD); In silico analysis supports that this missense variant has a deleterious effect on protein structure/function; Has not been previously published as pathogenic or benign to our knowledge

NM_001367873.1(SOX6):c.2198T>C (p.Ile733Thr)

Gene: SOX6 (SRY-box transcription factor 6; minus strand). Cytogenetic location: 11p15.2.
Variant type: single nucleotide variant.
Coding change: c.2198T>C on transcript NM_001367873.1 (MANE Select); coding-DNA position 2198, T replaced by C.
Protein change: p.Ile733Thr; replaces isoleucine 733 with threonine.
Molecular consequence: missense variant.
Genome position (GRCh38, 1-based): chr11:15,973,098, A>G on the plus strand (T>C on the coding strand, the complement: SOX6 is on the minus strand). VCF-style: chr11-15973098-A-G. GRCh37 (hg19) VCF-style: chr11-15994644-A-G.
Other names: c.2117T>C, p.Ile706Thr (NM_001145811.2, NM_017508.3); c.2198T>C, p.Ile733Thr (NM_001145819.2); c.2075T>C, p.Ile692Thr (NM_001367872.1); c.2138T>C, p.Ile713Thr (NM_033326.3); short protein forms I692T, I706T, I713T, I733T.
Identifiers: ClinVar variation 4685227 (VCV004685227.2).